The following is an entry in ClinVar:

ClinVar aggregate classification (germline): Uncertain significance (1 of 4 stars; one submission).

Allele frequency attached by ClinVar (database versions not stated): gnomAD exomes below 0.00001; ExAC 0.00001.
gnomAD v4.1: 2 of 1,613,988 alleles (0.00012%); highest among the groups gnomAD compares: South Asian, 0.0022%; no homozygotes.

Submission:

Labcorp Genetics (formerly Invitae), Labcorp
Classification: Uncertain significance. Last evaluated: 2022-03-09. Review status: criteria provided, single submitter. Criteria: Invitae Variant Classification Sherloc (09022015). Collection method: clinical testing. Allele origin: germline.
Comment: This sequence change replaces serine, which is neutral and polar, with proline, which is neutral and non-polar, at codon 1069 of the ADAMTSL4 protein (p.Ser1069Pro). This variant is not present in population databases (gnomAD no frequency). This variant has not been reported in the literature in individuals affected with ADAMTSL4-related conditions. Algorithms developed to predict the effect of missense changes on protein structure and function output the following: SIFT: "Deleterious"; PolyPhen-2: "Benign"; Align-GVGD: "Class C0". The proline amino acid residue is found in multiple mammalian species, which suggests that this missense change does not adversely affect protein function. In summary, the available evidence is currently insufficient to determine the role of this variant in disease. Therefore, it has been classified as a Variant of Uncertain Significance.

NM_019032.6(ADAMTSL4):c.3205T>C (p.Ser1069Pro)

Gene: ADAMTSL4 (ADAMTS like 4; plus strand). Cytogenetic location: 1q21.2.
Variant type: single nucleotide variant.
Coding change: c.3205T>C on transcript NM_019032.6 (MANE Select); coding-DNA position 3205, T replaced by C.
Protein change: p.Ser1069Pro; replaces serine 1069 with proline.
Molecular consequence: missense variant.
Genome position (GRCh38, 1-based): chr1:150,560,176, T>C. VCF-style: chr1-150560176-T-C. GRCh37 (hg19) VCF-style: chr1-150532652-T-C.
Other names: c.3088T>C, p.Ser1030Pro (NM_001288607.2); c.3274T>C, p.Ser1092Pro (NM_001288608.2); c.3205T>C, p.Ser1069Pro (NM_001378596.1); short protein forms S1030P, S1069P, S1092P.
Identifiers: ClinVar variation 1500100 (VCV001500100.3), dbSNP rs746901103, ClinGen allele CA1078990.
Genomic context (GRCh38, chr1:150,560,176, plus strand): 5'-TGCGTCTACCCCTACTACACAGCCACCTGTTGCCGCTCTTGCGCACATGTCCTGGAGCGG[T>C]CTCCCCAGGATCCCTCCTGAAAGGGGTCCGGGGCACCTTCACGGTTTTCTGTGCCACCAT-3'
Protein context (NP_061905.2, residues 1059-1074): CRSCAHVLER[Ser1069Pro]PQDPS